The following is an entry in ClinVar:

ClinVar aggregate classification (germline): Uncertain significance (1 of 4 stars; one submission).

Submission:

Labcorp Genetics (formerly Invitae), Labcorp
Classification: Uncertain significance. Last evaluated: 2022-02-12. Review status: criteria provided, single submitter. Criteria: Invitae Variant Classification Sherloc (09022015). Collection method: clinical testing. Allele origin: germline.
Comment: This sequence change replaces glutamic acid, which is acidic and polar, with lysine, which is basic and polar, at codon 29 of the TNNI3K protein (p.Glu29Lys). This variant is not present in population databases (gnomAD no frequency). This variant has not been reported in the literature in individuals affected with TNNI3K-related conditions. Algorithms developed to predict the effect of missense changes on protein structure and function are either unavailable or do not agree on the potential impact of this missense change (SIFT: "Deleterious"; PolyPhen-2: "Benign"; Align-GVGD: "Class C0"). In summary, the available evidence is currently insufficient to determine the role of this variant in disease. Therefore, it has been classified as a Variant of Uncertain Significance.

NM_015978.3(TNNI3K):c.85G>A (p.Glu29Lys)

Genes: FPGT-TNNI3K (FPGT-TNNI3K readthrough; plus strand), TNNI3K (TNNI3 interacting kinase; plus strand). Cytogenetic location: 1p31.1.
Variant type: single nucleotide variant.
Coding change: c.85G>A on transcript NM_015978.3 (MANE Select); coding-DNA position 85, G replaced by A.
Protein change: p.Glu29Lys; replaces glutamic acid 29 with lysine.
Molecular consequence: missense variant.
Genome position (GRCh38, 1-based): chr1:74,236,146, G>A. VCF-style: chr1-74236146-G-A. GRCh37 (hg19) VCF-style: chr1-74701830-G-A.
Other names: c.388G>A, p.Glu130Lys (NM_001112808.3, NM_001199327.2); short protein forms E29K, E130K.
Identifiers: ClinVar variation 2097053 (VCV002097053.4), dbSNP rs2524307444, ClinGen allele CA340787046.